The following is an entry in ClinVar:

ClinVar aggregate classification (germline): Uncertain significance (1 of 4 stars; one submission).

Submission:

GeneDx
Classification: Uncertain significance. Last evaluated: 2024-06-06. Review status: criteria provided, single submitter. Criteria: GeneDx Variant Classification Process June 2021. Collection method: clinical testing. Allele origin: germline. Affected: yes.
Comment: Not observed at significant frequency in large population cohorts (gnomAD); In silico analysis supports that this missense variant has a deleterious effect on protein structure/function; Has not been previously published as pathogenic or benign to our knowledge

NM_015278.5(SASH1):c.1717G>C (p.Asp573His)

Gene: SASH1 (SAM and SH3 domain containing 1; plus strand). Cytogenetic location: 6q25.1.
Variant type: single nucleotide variant.
Coding change: c.1717G>C on transcript NM_015278.5 (MANE Select); coding-DNA position 1717, G replaced by C.
Protein change: p.Asp573His; replaces aspartic acid 573 with histidine.
Molecular consequence: missense variant.
Genome position (GRCh38, 1-based): chr6:148,532,949, G>C. VCF-style: chr6-148532949-G-C. GRCh37 (hg19) VCF-style: chr6-148854085-G-C.
Other names: c.1582G>C, p.Asp528His (NM_001346505.2); c.1345G>C, p.Asp449His (NM_001346506.2); c.1000G>C, p.Asp334His (NM_001346507.2); c.1489G>C, p.Asp497His (NM_001346508.2); c.1366G>C, p.Asp456His (NM_001346509.2); short protein forms D334H, D449H, D456H, D497H, D528H, D573H.
Identifiers: ClinVar variation 3384582 (VCV003384582.1).
Genomic context (GRCh38, chr6:148,532,949, plus strand): 5'-GGCCCGTTCTGCGGGCGTGCCAGGGTGCACACCGACTTCACCCCCAGTCCCTATGACACA[G>C]ACTCACTCAAGCTCAAGGTATCTCTCTCCCTGGCCTCAGAGCAGCTAACTGGGCTCTTCC-3'
Protein context (NP_056093.3, residues 563-583): TDFTPSPYDT[Asp573His]SLKLKKGDII